The following is an entry in ClinVar:

ClinVar aggregate classification (germline): Uncertain significance (1 of 4 stars; one submission).

Submission:

Mayo Clinic Laboratories, Mayo Clinic
Classification: Uncertain significance. Last evaluated: 2025-08-14. Review status: criteria provided, single submitter. Criteria: ACMG Guidelines, 2015. Collection method: clinical testing. Allele origin: germline. Observed: 1 variant allele.
Comment: BP4_moderate, PM2_supporting

NM_014967.5(FAN1):c.305C>T (p.Ser102Leu)

Gene: FAN1 (FANCD2 and FANCI associated nuclease 1; plus strand). Cytogenetic location: 15q13.3.
Variant type: single nucleotide variant.
Coding change: c.305C>T on transcript NM_014967.5 (MANE Select); coding-DNA position 305, C replaced by T.
Protein change: p.Ser102Leu; replaces serine 102 with leucine.
Molecular consequence: missense variant.
Genome position (GRCh38, 1-based): chr15:30,904,968, C>T. VCF-style: chr15-30904968-C-T. GRCh37 (hg19) VCF-style: chr15-31197171-C-T.
Other names: p.Ser102Leu; c.305C>T, p.Ser102Leu (NM_001146094.2, NM_001146095.1, NM_001146096.2); short protein forms S102L.
Identifiers: ClinVar variation 4541915 (VCV004541915.1).
Genomic context (GRCh38, chr15:30,904,968, plus strand): 5'-CAAATGTGTCTATGGTAGATTTAACCAGTGTTACCTTAGAAGATGTAACACCTAAGAAGT[C>T]ACCACCACCAAAGACAAATTTAACCCCTGGCCAAAGTGATTCAGCAAAAAGGGAAGTAAA-3'
Protein context (NP_055782.3, residues 92-112): VTLEDVTPKK[Ser102Leu]PPPKTNLTPG